The following is an entry in ClinVar:

ClinVar aggregate classification (germline): Uncertain significance (1 of 4 stars; one submission).

Allele frequency attached by ClinVar (database versions not stated): gnomAD exomes below 0.00001; TOPMed 0.00001.
gnomAD v4.1: 3 of 1,612,862 alleles (0.00019%); highest among the groups gnomAD compares: Non-Finnish European, 0.00025%; no homozygotes.

Submission:

Labcorp Genetics (formerly Invitae), Labcorp
Classification: Uncertain significance. Last evaluated: 2022-07-19. Review status: criteria provided, single submitter. Criteria: Invitae Variant Classification Sherloc (09022015). Collection method: clinical testing. Allele origin: germline.
Comment: This sequence change affects codon 324 of the SLC26A3 mRNA. It is a 'silent' change, meaning that it does not change the encoded amino acid sequence of the SLC26A3 protein. This variant also falls at the last nucleotide of exon 8, which is part of the consensus splice site for this exon. This variant is not present in population databases (gnomAD no frequency). This variant has not been reported in the literature in individuals affected with SLC26A3-related conditions. ClinVar contains an entry for this variant (Variation ID: 1370012). Algorithms developed to predict the effect of missense changes on protein structure and function are either unavailable or do not agree on the potential impact of this missense change (SIFT: "Deleterious"; PolyPhen-2: "Probably Damaging"; Align-GVGD: "Class C0"). Variants that disrupt the consensus splice site are a relatively common cause of aberrant splicing (PMID: 17576681, 9536098). Algorithms developed to predict the effect of sequence changes on RNA splicing suggest that this variant may disrupt the consensus splice site. In summary, the available evidence is currently insufficient to determine the role of this variant in disease. Therefore, it has been classified as a Variant of Uncertain Significance.

Literature cited by the submitters: PubMed 17576681; PubMed 9536098.

NM_000111.3(SLC26A3):c.971G>T (p.Gly324Val)

Gene: SLC26A3 (solute carrier family 26 member 3; minus strand). Cytogenetic location: 7q22.3.
Variant type: single nucleotide variant.
Coding change: c.971G>T on transcript NM_000111.3 (MANE Select); coding-DNA position 971, G replaced by T.
Protein change: p.Gly324Val; replaces glycine 324 with valine.
Molecular consequence: missense variant.
Genome position (GRCh38, 1-based): chr7:107,786,827, C>A on the plus strand (G>T on the coding strand, the complement: SLC26A3 is on the minus strand). VCF-style: chr7-107786827-C-A. GRCh37 (hg19) VCF-style: chr7-107427272-C-A.
Other names: short protein forms G324V.
Identifiers: ClinVar variation 1370012 (VCV001370012.3), dbSNP rs1325104339, ClinGen allele CA368852387.